The following is an entry in ClinVar:

NM_001267550.2(TTN):c.103762G>T (p.Val34588Leu)

Genes: TTN-AS1 (TTN antisense RNA 1; plus strand), TTN (titin; minus strand). Cytogenetic location: 2q31.2.
Variant type: single nucleotide variant.
Coding change: c.103762G>T on transcript NM_001267550.2 (MANE Select); coding-DNA position 103762, G replaced by T.
Protein change: p.Val34588Leu; replaces valine 34588 with leucine.
Molecular consequence: missense variant.
Genome position (GRCh38, 1-based): chr2:178,532,853, C>A on the plus strand (G>T on the coding strand, the complement: TTN is on the minus strand). VCF-style: chr2-178532853-C-A. GRCh37 (hg19) VCF-style: chr2-179397580-C-A.
Other names: c.98839G>T, p.Val32947Leu (NM_001256850.1); c.76567G>T, p.Val25523Leu (NM_003319.4); c.96058G>T, p.Val32020Leu (NM_133378.4); c.76942G>T, p.Val25648Leu (NM_133432.3); c.77143G>T, p.Val25715Leu (NM_133437.4); short protein forms V25648L, V34588L, V25715L, V25523L, V32947L, V32020L.
Identifiers: ClinVar variation 962839 (VCV000962839.8), dbSNP rs368889232, ClinGen allele CA1985548.
Genomic context (GRCh38, chr2:178,532,853, plus strand): 5'-GAGGCATCACATAGAACTGTTCCCATCTTGAAAGGCGGATGCGCTTGGGTCGTTTCTGTA[C>A]AACTCTGTCAAGTTTCCCAGGCATTTCATACTGATCACGTATCTTTTTATACCACTTCAT-3'
Protein context (NP_001254479.2, residues 34578-34598): YEMPGKLDRV[Val34588Leu]QKRPKRIRLS

ClinVar aggregate classification (germline): Uncertain significance (1 of 4 stars; one submission).

Conditions:
Dilated cardiomyopathy 1G (CMD1G). Identifiers: Orphanet 154, MedGen C1858763, MONDO:0011400, OMIM 604145.
Autosomal recessive limb-girdle muscular dystrophy type 2J (LGMDR10). Also called: Limb-girdle muscular dystrophy, type 2J; MUSCULAR DYSTROPHY, LIMB-GIRDLE, AUTOSOMAL RECESSIVE 10. Identifiers: Orphanet 140922, MedGen C1837342, MONDO:0012127, OMIM 608807.

Allele frequency attached by ClinVar (database versions not stated): gnomAD exomes below 0.00001; TOPMed below 0.00001; ExAC 0.00001; gnomAD 0.00001; ESP Exome Variant Server 0.00008.
gnomAD v4.1: 3 of 1,613,826 alleles (0.00019%); highest among the groups gnomAD compares: Non-Finnish European, 0.00025%; no homozygotes.

Submission:

Labcorp Genetics (formerly Invitae), Labcorp
Classification: Uncertain significance for Dilated cardiomyopathy 1G; Autosomal recessive limb-girdle muscular dystrophy type 2J. Last evaluated: 2025-11-01. Review status: criteria provided, single submitter. Criteria: Invitae Variant Classification Sherloc (09022015). Collection method: clinical testing. Allele origin: germline.
Comment: This sequence change replaces valine, which is neutral and non-polar, with leucine, which is neutral and non-polar, at codon 34588 of the TTN protein (p.Val34588Leu). This variant is present in population databases (rs368889232, gnomAD 0.0009%). This variant has not been reported in the literature in individuals affected with TTN-related conditions. ClinVar contains an entry for this variant (Variation ID: 962839). Experimental studies and prediction algorithms are not available or were not evaluated, and the functional significance of this variant is currently unknown. This variant is located in the M band of TTN (PMID: 25589632). Non-truncating variants in this region may be relevant for neuromuscular disorders, but have not been definitively shown to cause cardiomyopathy (PMID: 23975875). In summary, the available evidence is currently insufficient to determine the role of this variant in disease. Therefore, it has been classified as a Variant of Uncertain Significance.

Literature cited by the submitters: PubMed 25589632; PubMed 23975875.